The following is an entry in ClinVar:

ClinVar aggregate classification (germline): Likely benign (1 of 4 stars; one submission).

Submission:

Women's Health and Genetics/Laboratory Corporation of America, LabCorp
Classification: Likely benign. Last evaluated: 2025-07-30. Review status: criteria provided, single submitter. Criteria: LabCorp Variant Classification Summary - May 2015. Collection method: clinical testing. Allele origin: germline.
Comment: Variant summary: COL1A1 c.957+17C>G alters a nucleotide located at a position not widely known to affect splicing. Consensus agreement among computation tools predict no significant impact on normal splicing. However, these predictions have yet to be confirmed by functional studies. The variant was absent in 233046 control chromosomes (gnomAD). The available data on variant occurrences in the general population are insufficient to allow any conclusion about variant significance. To our knowledge, no occurrence of c.957+17C>G in individuals affected with Osteogenesis imperfecta type I and no experimental evidence demonstrating its impact on protein function have been reported. No submitters have cited clinical-significance assessments for this variant to ClinVar. Based on the evidence outlined above, the variant was classified as likely benign.

NM_000088.4(COL1A1):c.957+17C>G

Gene: COL1A1 (collagen type I alpha 1 chain; minus strand). Cytogenetic location: 17q21.33.
Variant type: single nucleotide variant.
Coding change: c.957+17C>G on transcript NM_000088.4 (MANE Select); 17 bases into the intron after coding-DNA position 957, C replaced by G.
Molecular consequence: intron variant.
Genome position (GRCh38, 1-based): chr17:50,196,297, G>C on the plus strand (C>G on the coding strand, the complement: COL1A1 is on the minus strand). VCF-style: chr17-50196297-G-C. GRCh37 (hg19) VCF-style: chr17-48273658-G-C.
Identifiers: ClinVar variation 4525898 (VCV004525898.1).